The following is an entry in ClinVar:

ClinVar aggregate classification (germline): Uncertain significance (1 of 4 stars; one submission).

Conditions:
Hereditary sensory and autonomic neuropathy type 6. Also called: Neuropathy, hereditary sensory and autonomic, type VI; HSAN VI. Identifiers: Orphanet 314381, MedGen C3539003, MONDO:0013839, OMIM 614653.
Epidermolysis bullosa simplex 3, localized or generalized intermediate, with BP230 deficiency (EBS3). Also called: Epidermolysis bullosa simplex, autosomal recessive 2; Epidermolysis bullosa simplex due to BP230 deficiency. Identifiers: Orphanet 412181, MedGen C3809470, MONDO:0014180, OMIM 615425.

Submission:

Labcorp Genetics (formerly Invitae), Labcorp
Classification: Uncertain significance for Epidermolysis bullosa simplex, autosomal recessive 2; Neuropathy, hereditary sensory and autonomic, type VI. Last evaluated: 2019-08-28. Review status: criteria provided, single submitter. Criteria: Invitae Variant Classification Sherloc (09022015). Collection method: clinical testing. Allele origin: germline.
Comment: This sequence change replaces alanine with valine at codon 4322 of the DST protein (p.Ala4322Val). The alanine residue is moderately conserved and there is a small physicochemical difference between alanine and valine. The DST gene has multiple clinically relevant transcripts. The p.Ala4322Val variant occurs in alternate transcript NM_015548.4, which corresponds to c.*125984C>T in NM_001723.5, the primary transcript listed in the Methods. This variant is not present in population databases (ExAC no frequency). This variant has not been reported in the literature in individuals with DST-related conditions. Algorithms developed to predict the effect of missense changes on protein structure and function are either unavailable or do not agree on the potential impact of this missense change (SIFT: "Deleterious"; PolyPhen-2: "Not Available"; Align-GVGD: "Class C0"). In summary, the available evidence is currently insufficient to determine the role of this variant in disease. Therefore, it has been classified as a Variant of Uncertain Significance.

NM_001374736.1(DST):c.20834C>T (p.Ala6945Val)

Gene: DST (dystonin; minus strand). Cytogenetic location: 6p12.1.
Variant type: single nucleotide variant.
Coding change: c.20834C>T on transcript NM_001374736.1 (MANE Select); coding-DNA position 20834, C replaced by T.
Protein change: p.Ala6945Val; replaces alanine 6945 with valine.
Molecular consequence: missense variant.
Genome position (GRCh38, 1-based): chr6:56,489,533, G>A on the plus strand (C>T on the coding strand, the complement: DST is on the minus strand). VCF-style: chr6-56489533-G-A. GRCh37 (hg19) VCF-style: chr6-56354331-G-A.
Other names: c.14477C>T, p.Ala4826Val (NM_001144769.5); c.14063C>T, p.Ala4688Val (NM_001144770.2); c.20834C>T, p.Ala6945Val (NM_001374722.1); c.19874C>T, p.Ala6625Val (NM_001374729.1); c.13616C>T, p.Ala4539Val (NM_001374730.1); c.20861C>T, p.Ala6954Val (NM_001374734.1); c.12965C>T, p.Ala4322Val (NM_015548.5); c.13943C>T, p.Ala4648Val (NM_183380.4); short protein forms A4688V, A6945V, A4826V, A4539V, A4648V, A6625V, A4322V, A6954V.
Identifiers: ClinVar variation 966712 (VCV000966712.1), dbSNP rs2095669121, ClinGen allele CA364514951.